The following is an entry in ClinVar:

NM_130810.4(DNAAF4):c.783+190G>A

Genes: DNAAF4 (dynein axonemal assembly factor 4; minus strand), DNAAF4-CCPG1 (DNAAF4-CCPG1 readthrough (NMD candidate); minus strand). Cytogenetic location: 15q21.3.
Variant type: single nucleotide variant.
Coding change: c.783+190G>A on transcript NM_130810.4 (MANE Select); 190 bases into the intron after coding-DNA position 783, G replaced by A.
Molecular consequence: intron variant.
Genome position (GRCh38, 1-based): chr15:55,450,032, C>T on the plus strand (G>A on the coding strand, the complement: DNAAF4 is on the minus strand). VCF-style: chr15-55450032-C-T. GRCh37 (hg19) VCF-style: chr15-55742230-C-T.
Other names: c.783+190G>A (NM_001033560.2, NM_001033559.3).
Identifiers: ClinVar variation 4885869 (VCV004885869.2).
Genomic context (GRCh38, chr15:55,450,032, plus strand): 5'-TGCAGGCATGAGCCACTGCGCCCGGCCTACTGTACATATATTAAGTCGGTATTCTCTTAT[C>T]ACTATTCTGGAGCCAAAAACATCTGCAAAATATATTTTCTCATAAGGAAATTCTAAAACA-3'

ClinVar aggregate classification (germline): Uncertain significance (1 of 4 stars; one submission).

gnomAD v4.1: 1 of 152,044 alleles (0.00066%); highest among the groups gnomAD compares: African/African-American, 0.0024%; no homozygotes.

Submission:

Dasa
Classification: Uncertain significance. Last evaluated: 2025-12-09. Review status: criteria provided, single submitter. Criteria: DASA Assertion Criteria. Collection method: clinical testing. Allele origin: germline.
Comment: NM_130810.4(DNAAF4):c.783+190G>A is an intronic variant. This variant is rare in population databases. The currently available literature and clinical evidence are not sufficient to establish a definitive association between this variant and the reported condition. Therefore, this variant is classified as a variant of uncertain significance.